The following is an entry in ClinVar:

NC_000023.11:g.114583809G>A

Gene: HTR2C (5-hydroxytryptamine receptor 2C; plus strand). Cytogenetic location: Xq23.
Variant type: single nucleotide variant.
Genome position: GRCh38 VCF-style: chrX-114583809-G-A. GRCh37 (hg19) VCF-style: chrX-113818282-G-A.
Identifiers: ClinVar variation 1318441 (VCV001318441.3), dbSNP rs3813928, ClinGen allele CA334645884.

ClinVar aggregate classification (germline): Likely benign (1 of 4 stars; one submission).

Allele frequency attached by ClinVar (database versions not stated): TOPMed 0.11938; gnomAD 0.12324 and 0.12888; 1000 Genomes Project 30x 0.13299; 1000 Genomes Project 0.13483.

Submission:

GeneDx
Classification: Likely benign. Last evaluated: 2018-08-14. Review status: criteria provided, single submitter. Criteria: GeneDx Variant Classification Process June 2021. Collection method: clinical testing. Allele origin: germline. Affected: yes.
Comment: This variant is associated with the following publications: (PMID: 15741483, 16021472)